The following is an entry in ClinVar:

NM_000053.4(ATP7B):c.1292_1294delinsA (p.Cys431fs)

Gene: ATP7B (ATPase copper transporting beta; minus strand). Cytogenetic location: 13q14.3.
Variant type: Indel.
Coding change: c.1292_1294delinsA on transcript NM_000053.4 (MANE Select); coding-DNA positions 1292 to 1294, GTT replaced by A.
Protein change: p.Cys431fs; shifts the reading frame from cysteine 431.
Molecular consequence: frameshift variant. On other transcripts: intron variant (1).
Genome position (GRCh38, 1-based): chr13:51,970,741-51,970,743, AAC replaced by T on the plus strand (GTT replaced by A on the coding strand, the reverse complement: ATP7B is on the minus strand). VCF-style: chr13-51970741-AAC-T. GRCh37 (hg19) VCF-style: chr13-52544877-AAC-T.
Other names: p.Cys431Tyrfs*3; c.1292_1294delinsA, p.Cys431fs (NM_001406522.1, NM_001406523.1, NM_001406524.1 and 28 more transcripts); c.1196_1198delinsA, p.Cys399fs (NM_001406530.1, NM_001406536.1, NM_001406543.1 and 3 more transcripts); c.863_865delinsA, p.Cys288fs (NM_001406539.1); c.1285+3192_1285+3194delinsA (NM_001406548.1); c.959_961delinsA, p.Cys320fs (NM_001243182.2); short protein forms C288fs, C320fs, C399fs, C431fs.
Identifiers: ClinVar variation 2683628 (VCV002683628.3), dbSNP rs2547795485, ClinGen allele CA2697551875.

ClinVar aggregate classification (germline): Pathogenic/Likely pathogenic. Review status: criteria provided, multiple submitters, no conflicts (2 of 4 stars). 3 submissions from 3 submitters: Pathogenic (2); Likely pathogenic (1). Last evaluated 2024-03-26.

Conditions:
Wilson disease (WND). Also called: Wilson's disease. Identifiers: Orphanet 905, MedGen C0019202, MONDO:0010200, OMIM 277900. Disease mechanism: loss of function.

Submissions (3):

Myriad Genetics, Inc.
Classification: Pathogenic for Wilson disease. Last evaluated: 2024-03-26. Review status: criteria provided, single submitter. Criteria: Myriad Autosomal Dominant, Autosomal Recessive and X-Linked Classification Criteria (2023). Collection method: clinical testing. Allele origin: unknown.
Comment: NM_000053.3(ATP7B):c.1292_1294delGTTinsA(C431Yfs*3) is expected to be pathogenic in the context of Wilson disease. This variant is predicted to lead to an abnormal or absent protein product due to the creation of a premature termination codon in ATP7B, a gene where loss-of-function variants are known to be pathogenic. Please note: this variant was assessed in the context of healthy population screening.

Baylor Genetics
Classification: Likely pathogenic for Wilson disease. Last evaluated: 2024-03-04. Review status: criteria provided, single submitter. Criteria: ACMG Guidelines, 2015. Collection method: clinical testing. Allele origin: unknown.

Mayo Clinic Laboratories, Mayo Clinic
Classification: Pathogenic. Last evaluated: 2022-03-04. Review status: criteria provided, single submitter. Criteria: ACMG Guidelines, 2015. Collection method: clinical testing. Allele origin: germline. Observed: 1 variant allele.
Comment: PP4, PM2, PVS1